The following is an entry in ClinVar:

ClinVar aggregate classification (germline): Uncertain significance (1 of 4 stars; one submission).

Allele frequency attached by ClinVar (database versions not stated): TOPMed below 0.00001; gnomAD exomes below 0.00001 and 0.00001.
gnomAD v4.1: 2 of 1,613,044 alleles (0.00012%); highest among the groups gnomAD compares: Admixed American, 0.0033%; no homozygotes.

Submission:

Labcorp Genetics (formerly Invitae), Labcorp
Classification: Uncertain significance. Last evaluated: 2025-04-27. Review status: criteria provided, single submitter. Criteria: Invitae Variant Classification Sherloc (09022015). Collection method: clinical testing. Allele origin: germline.
Comment: This sequence change replaces threonine, which is neutral and polar, with alanine, which is neutral and non-polar, at codon 1816 of the ANK3 protein (p.Thr1816Ala). This variant is present in population databases (no rsID available, gnomAD 0.006%). This variant has not been reported in the literature in individuals affected with ANK3-related conditions. ClinVar contains an entry for this variant (Variation ID: 1513200). Invitae Evidence Modeling of protein sequence and biophysical properties (such as structural, functional, and spatial information, amino acid conservation, physicochemical variation, residue mobility, and thermodynamic stability) has been performed for this missense variant. However, the output from this modeling did not meet the statistical confidence thresholds required to predict the impact of this variant on ANK3 protein function. In summary, the available evidence is currently insufficient to determine the role of this variant in disease. Therefore, it has been classified as a Variant of Uncertain Significance.

NM_020987.5(ANK3):c.5446A>G (p.Thr1816Ala)

Gene: ANK3 (ankyrin 3; minus strand). Cytogenetic location: 10q21.2.
Variant type: single nucleotide variant.
Coding change: c.5446A>G on transcript NM_020987.5 (MANE Select); coding-DNA position 5446, A replaced by G.
Protein change: p.Thr1816Ala; replaces threonine 1816 with alanine.
Molecular consequence: missense variant. On other transcripts: intron variant (4).
Genome position (GRCh38, 1-based): chr10:60,075,435, T>C on the plus strand (A>G on the coding strand, the complement: ANK3 is on the minus strand). VCF-style: chr10-60075435-T-C. GRCh37 (hg19) VCF-style: chr10-61835193-T-C.
Other names: c.4387+5102A>G (NM_001204403.2); c.4408+5102A>G (NM_001204404.2); c.4405+5102A>G (NM_001320874.2); c.1807+5102A>G (NM_001149.4); short protein forms T1816A.
Identifiers: ClinVar variation 1513200 (VCV001513200.6), dbSNP rs1350600872, ClinGen allele CA377015536.